The following is an entry in ClinVar:

ClinVar aggregate classification (germline): Conflicting classifications of pathogenicity. Review status: criteria provided, conflicting classifications (1 of 4 stars). 4 submissions from 4 submitters: Uncertain significance (2); Likely benign (2). Last evaluated 2026-09-08.

Conditions:
DGUOK-related disorder. Also called: DGUOK-related condition.
Mitochondrial DNA depletion syndrome 3 (hepatocerebral type). Also called: Deoxyguanosine Kinase Deficiency; Mitochondrial DNA depletion syndrome, hepatocerebral form due to DGUOK deficiency; MITOCHONDRIAL DNA DEPLETION SYNDROME 3. Identifiers: Orphanet 279934, MedGen CN074093, MONDO:0009636, OMIM 251880.

Allele frequency attached by ClinVar (database versions not stated): gnomAD 0.00002 and 0.00006; gnomAD exomes 0.00006 and 0.00013; TOPMed 0.00006; ExAC 0.00015; 1000 Genomes Project 30x 0.00031; 1000 Genomes Project 0.00040.
gnomAD v4.1: 118 of 1,614,106 alleles (0.0073%); highest among the groups gnomAD compares: East Asian, 0.16%; no homozygotes.

Submissions (4):

PreventionGenetics, part of Exact Sciences
Classification: Likely benign for DGUOK-related condition. Last evaluated: 2026-09-08. Review status: criteria provided, single submitter. Criteria: ACMG Guidelines, 2015. Collection method: clinical testing. Allele origin: germline.
Comment: This variant is classified as likely benign based on ACMG/AMP sequence variant interpretation guidelines (Richards et al. 2015 PMID: 25741868, with internal and published modifications).

Labcorp Genetics (formerly Invitae), Labcorp
Classification: Likely benign. Last evaluated: 2026-01-28. Review status: criteria provided, single submitter. Criteria: Invitae Variant Classification Sherloc (09022015). Collection method: clinical testing. Allele origin: germline.

Illumina Laboratory Services, Illumina
Classification: Uncertain significance for Mitochondrial DNA depletion syndrome 3 (hepatocerebral type). Last evaluated: 2018-01-13. Review status: criteria provided, single submitter. Criteria: ICSL Variant Classification Criteria 13 December 2019. Collection method: clinical testing. Allele origin: germline.

Eurofins Ntd Llc (ga)
Classification: Uncertain significance. Last evaluated: 2016-08-03. Review status: criteria provided, single submitter. Criteria: EGL Classification Definitions 2015. Collection method: clinical testing. Allele origin: germline. Observed: 1 variant allele, 1 heterozygote.

NM_080916.3(DGUOK):c.337T>C (p.Phe113Leu)

Gene: DGUOK (deoxyguanosine kinase; plus strand). Cytogenetic location: 2p13.1.
Variant type: single nucleotide variant.
Coding change: c.337T>C on transcript NM_080916.3 (MANE Select); coding-DNA position 337, T replaced by C.
Protein change: p.Phe113Leu; replaces phenylalanine 113 with leucine.
Molecular consequence: missense variant. On other transcripts: non-coding transcript variant (5).
Genome position (GRCh38, 1-based): chr2:73,946,800, T>C. VCF-style: chr2-73946800-T-C. GRCh37 (hg19) VCF-style: chr2-74173927-T-C.
Other names: c.337T>C, p.Phe113Leu (NM_001318859.2, NM_080918.3); c.46T>C, p.Phe16Leu (NM_001318860.2, NM_001318861.2, NM_001318862.2 and 1 more transcripts); short protein forms F113L, F16L.
Identifiers: ClinVar variation 289872 (VCV000289872.14), dbSNP rs141810774, ClinGen allele CA1718233.